The following is an entry in ClinVar:

ClinVar aggregate classification (germline): Conflicting classifications of pathogenicity. Review status: criteria provided, conflicting classifications (1 of 4 stars). 2 submissions from 2 submitters: Uncertain significance (1); Likely benign (1). Last evaluated 2025-07-03.

Conditions:
Cardiomyopathy (CMYO). Also called: Cardiomyopathies. Identifiers: Orphanet 167848, MedGen C0878544, MONDO:0004994, HP:0001638. Inheritance: Various modes of inheritance.
Arrhythmogenic right ventricular dysplasia 10. Also called: Arrhythmogenic Right Ventricular Dysplasia/Cardiomyopathy10; ARRHYTHMOGENIC RIGHT VENTRICULAR DYSPLASIA, FAMILIAL, 10; Arrhythmogenic right ventricular dysplasia/cardiomyopathy, type 10. Identifiers: MedGen C1857777, MONDO:0012434, OMIM 610193.

Allele frequency attached by ClinVar (database versions not stated): gnomAD exomes below 0.00001; TOPMed 0.00001; ESP Exome Variant Server 0.00008.
gnomAD v4.1: 2 of 1,614,194 alleles (0.00012%); highest among the groups gnomAD compares: Non-Finnish European, 0.000085%; no homozygotes.

Submissions (2):

Labcorp Genetics (formerly Invitae), Labcorp
Classification: Likely benign for Arrhythmogenic right ventricular dysplasia 10. Last evaluated: 2025-07-03. Review status: criteria provided, single submitter. Criteria: Invitae Variant Classification Sherloc (09022015). Collection method: clinical testing. Allele origin: germline.

Color Diagnostics, LLC DBA Color Health
Classification: Uncertain significance for Cardiomyopathy. Last evaluated: 2024-11-25. Review status: criteria provided, single submitter. Criteria: ACMG Guidelines, 2015. Collection method: clinical testing. Allele origin: germline.
Comment: This synonymous variant located in the DSG2 gene is predicted to impact mRNA splicing. To our knowledge, functional studies have not been reported for this variant. This variant has not been reported in individuals affected with DSG2-related disorders in the literature. This variant has not been identified in the general population by the Genome Aggregation Database (gnomAD). The available evidence is insufficient to determine the role of this variant in disease conclusively. Therefore, this variant is classified as a Variant of Uncertain Significance.

NM_001943.5(DSG2):c.3048G>A (p.Val1016=)

Genes: DSG2 (desmoglein 2; plus strand), DSG2-AS1 (DSG2 antisense RNA 1; minus strand). Cytogenetic location: 18q12.1.
Variant type: single nucleotide variant.
Coding change: c.3048G>A on transcript NM_001943.5 (MANE Select); coding-DNA position 3048, G replaced by A.
Protein change: p.Val1016=; no amino-acid change (valine 1016 retained).
Molecular consequence: synonymous variant.
Genome position (GRCh38, 1-based): chr18:31,546,434, G>A. VCF-style: chr18-31546434-G-A. GRCh37 (hg19) VCF-style: chr18-29126397-G-A.
Identifiers: ClinVar variation 2186849 (VCV002186849.5), dbSNP rs374565425, ClinGen allele CA297702496.